The following is an entry in ClinVar:

NM_000069.3(CACNA1S):c.1678G>A (p.Ala560Thr)

Gene: CACNA1S (calcium voltage-gated channel subunit alpha1 S; minus strand). Cytogenetic location: 1q32.1.
Variant type: single nucleotide variant.
Coding change: c.1678G>A on transcript NM_000069.3 (MANE Select); coding-DNA position 1678, G replaced by A.
Protein change: p.Ala560Thr; replaces alanine 560 with threonine.
Molecular consequence: missense variant.
Genome position (GRCh38, 1-based): chr1:201,077,069, C>T on the plus strand (G>A on the coding strand, the complement: CACNA1S is on the minus strand). VCF-style: chr1-201077069-C-T. GRCh37 (hg19) VCF-style: chr1-201046197-C-T.
Other names: short protein forms A560T.
Identifiers: ClinVar variation 294760 (VCV000294760.14), dbSNP rs763794604, ClinGen allele CA078518.

ClinVar aggregate classification (germline): Conflicting classifications of pathogenicity. Review status: criteria provided, conflicting classifications (1 of 4 stars). 5 submissions from 5 submitters: Uncertain significance (3); Likely benign (2). Last evaluated 2025-12-03.

Conditions:
Hypokalemic periodic paralysis, type 1. Also called: Hypokalemic Periodic Paralysis Type 1 (AD); HypoPP. Identifiers: Orphanet 681, MedGen C3714580, MONDO:0042979, OMIM 170400.
Malignant hyperthermia, susceptibility to, 5 (MHS5). Also called: CACNA1S-Related Malignant Hyperthermia Susceptibility. Identifiers: Orphanet 423, MedGen C1866077, MONDO:0011163, OMIM 601887.
CACNA1S-related disorder. Also called: CACNA1S-related condition.

Allele frequency attached by ClinVar (database versions not stated): gnomAD exomes 0.00002; ExAC 0.00003; gnomAD 0.00003 and 0.00004; TOPMed 0.00004.
gnomAD v4.1: 44 of 1,614,042 alleles (0.0027%); highest among the groups gnomAD compares: East Asian, 0.02%; no homozygotes.

Submissions (5):

Labcorp Genetics (formerly Invitae), Labcorp
Classification: Likely benign for Hypokalemic periodic paralysis, type 1; Malignant hyperthermia, susceptibility to, 5. Last evaluated: 2025-12-03. Review status: criteria provided, single submitter. Criteria: Invitae Variant Classification Sherloc (09022015). Collection method: clinical testing. Allele origin: germline.

All of Us Research Program, National Institutes of Health
Classification: Uncertain significance for Malignant hyperthermia, susceptibility to, 5. Last evaluated: 2024-05-30. Review status: criteria provided, single submitter. Criteria: ACMG Guidelines, 2015. Collection method: clinical testing. Allele origin: germline. Inheritance: Autosomal dominant inheritance. Observed: 8 variant alleles, 8 heterozygotes.
Comment: This missense variant replaces alanine with threonine at codon 560 of the CACNA1S protein. Computational prediction suggests that this variant may have deleterious impact on protein structure and function (internally defined REVEL score threshold >= 0.7, PMID: 27666373). To our knowledge, functional studies have not been reported for this variant. This variant has been reported in a family affected with malignant hyperthermia susceptibility (DOI 10.24811/hjms.71.1-2_31). This variant has been identified in 7/282858 chromosomes in the general population by the Genome Aggregation Database (gnomAD). The available evidence is insufficient to determine the role of this variant in disease conclusively. Therefore, this variant is classified as a Variant of Uncertain Significance.

This study involves interpretation of variants in research participants for the purpose of population health screening. Participant phenotype was not available at the time of variant classification. Additional details can be found in publication PMID: 35346344, PMCID: PMC8962531

Color Diagnostics, LLC DBA Color Health
Classification: Uncertain significance for Malignant hyperthermia, susceptibility to, 5. Last evaluated: 2024-05-15. Review status: criteria provided, single submitter. Criteria: ACMG Guidelines, 2015. Collection method: clinical testing. Allele origin: germline.
Comment: This missense variant replaces alanine with threonine at codon 560 of the CACNA1S protein. Computational prediction suggests that this variant may have deleterious impact on protein structure and function. To our knowledge, functional studies have not been reported for this variant. This variant has been reported in a family affected with malignant hyperthermia susceptibility (DOI 10.24811/hjms.71.1-2_31). This variant has been identified in 7/282858 chromosomes in the general population by the Genome Aggregation Database (gnomAD). The available evidence is insufficient to determine the role of this variant in disease conclusively. Therefore, this variant is classified as a Variant of Uncertain Significance.

PreventionGenetics, part of Exact Sciences
Classification: Uncertain significance for CACNA1S-related condition. Last evaluated: 2023-07-13. Review status: criteria provided, single submitter. Criteria: ACMG Guidelines, 2015. Collection method: clinical testing. Allele origin: germline.
Comment: The CACNA1S c.1678G>A variant is predicted to result in the amino acid substitution p.Ala560Thr. To our knowledge, this variant has not been reported in the literature. This variant is reported in 0.010% of alleles in individuals of East Asian descent in gnomAD. Although we suspect that this variant may be benign, at this time, the clinical significance of this variant is uncertain due to the absence of conclusive functional and genetic evidence.

Illumina Laboratory Services, Illumina
Classification: Likely benign for Hypokalemic periodic paralysis, type 1. Last evaluated: 2018-01-13. Review status: criteria provided, single submitter. Criteria: ICSL Variant Classification Criteria 13 December 2019. Collection method: clinical testing. Allele origin: germline.
Comment: This variant was observed in the ICSL laboratory as part of a predisposition screen in an ostensibly healthy population. It had not been previously curated by ICSL or reported in the Human Gene Mutation Database (HGMD: prior to June 1st, 2018), and was therefore a candidate for classification through an automated scoring system. Utilizing variant allele frequency, disease prevalence and penetrance estimates, and inheritance mode, an automated score was calculated to assess if this variant is too frequent to cause the disease. Based on the score and internal cut-off values, a variant classified as likely benign is not then subjected to further curation. The score for this variant resulted in a classification of likely benign for this disease.